The following is an entry in ClinVar:

NM_006941.4(SOX10):c.83C>T (p.Ala28Val)

Genes: POLR2F (RNA polymerase II, I and III subunit F; plus strand), SOX10 (SRY-box transcription factor 10; minus strand). Cytogenetic location: 22q13.1.
Variant type: single nucleotide variant.
Coding change: c.83C>T on transcript NM_006941.4 (MANE Select); coding-DNA position 83, C replaced by T.
Protein change: p.Ala28Val; replaces alanine 28 with valine.
Molecular consequence: missense variant. On other transcripts: intron variant (3).
Genome position (GRCh38, 1-based): chr22:37,983,702, G>A on the plus strand (C>T on the coding strand, the complement: SOX10 is on the minus strand). VCF-style: chr22-37983702-G-A. GRCh37 (hg19) VCF-style: chr22-38379709-G-A.
Other names: c.*38+11392G>A (NM_001363825.1); c.294-2452G>A (NM_001301130.2); c.293+16532G>A (NM_001301131.2); short protein forms A28V.
Identifiers: ClinVar variation 1467963 (VCV001467963.9), dbSNP rs1932477803, ClinGen allele CA411502166.
Genomic context (GRCh38, chr22:37,983,702, plus strand): 5'-GGCCCCGGGCTGGCTCGCAGGCCCGATCCGCCGCCGCCGCCGTCGGGCCCTAGCGAGGGC[G>A]CGCTCCCCGGGGACAGGCAGCGGGGCTCCTCCGAGCCCACGGGGCTCAGCTCCACCTCCG-3'
Protein context (NP_008872.1, residues 18-38): EEPRCLSPGS[Ala28Val]PSLGPDGGGG

ClinVar aggregate classification (germline): Uncertain significance. Review status: criteria provided, multiple submitters, no conflicts (2 of 4 stars). 2 submissions from 2 submitters: Uncertain significance (2). Last evaluated 2022-11-14.

Allele frequency attached by ClinVar (database versions not stated): TOPMed below 0.00001; gnomAD exomes 0.00001.
gnomAD v4.1: 19 of 1,515,476 alleles (0.0013%); highest among the groups gnomAD compares: East Asian, 0.0075%; no homozygotes.

Submissions (2):

GeneDx
Classification: Uncertain significance. Last evaluated: 2022-11-14. Review status: criteria provided, single submitter. Criteria: GeneDx Variant Classification Process June 2021. Collection method: clinical testing. Allele origin: germline. Affected: yes.
Comment: Not observed at significant frequency in large population cohorts (gnomAD); In silico analysis supports that this missense variant does not alter protein structure/function; Has not been previously published as pathogenic or benign to our knowledge

Labcorp Genetics (formerly Invitae), Labcorp
Classification: Uncertain significance. Last evaluated: 2021-05-26. Review status: criteria provided, single submitter. Criteria: Invitae Variant Classification Sherloc (09022015). Collection method: clinical testing. Allele origin: germline.
Comment: In summary, the available evidence is currently insufficient to determine the role of this variant in disease. Therefore, it has been classified as a Variant of Uncertain Significance. Algorithms developed to predict the effect of missense changes on protein structure and function (SIFT, PolyPhen-2, Align-GVGD) all suggest that this variant is likely to be tolerated, but these predictions have not been confirmed by published functional studies and their clinical significance is uncertain. This variant has not been reported in the literature in individuals with SOX10-related conditions. The frequency data for this variant in the population databases is considered unreliable, as metrics indicate insufficient coverage at this position in the ExAC database. This sequence change replaces alanine with valine at codon 28 of the SOX10 protein (p.Ala28Val). The alanine residue is weakly conserved and there is a small physicochemical difference between alanine and valine.